The following is an entry in ClinVar:

NM_000391.4(TPP1):c.259G>A (p.Asp87Asn)

Gene: TPP1 (tripeptidyl peptidase 1; minus strand). Cytogenetic location: 11p15.4.
Variant type: single nucleotide variant.
Coding change: c.259G>A on transcript NM_000391.4 (MANE Select); coding-DNA position 259, G replaced by A.
Protein change: p.Asp87Asn; replaces aspartic acid 87 with asparagine.
Molecular consequence: missense variant.
Genome position (GRCh38, 1-based): chr11:6,617,747, C>T on the plus strand (G>A on the coding strand, the complement: TPP1 is on the minus strand). VCF-style: chr11-6617747-C-T. GRCh37 (hg19) VCF-style: chr11-6638978-C-T.
Other names: short protein forms D87N.
Identifiers: ClinVar variation 2009314 (VCV002009314.4), dbSNP rs1375524378, ClinGen allele CA379476563.

ClinVar aggregate classification (germline): Uncertain significance (1 of 4 stars; one submission).

Allele frequency attached by ClinVar (database versions not stated): gnomAD exomes below 0.00001; TOPMed below 0.00001.
gnomAD v4.1: 3 of 1,614,220 alleles (0.00019%); highest among the groups gnomAD compares: African/African-American, 0.0013%; no homozygotes.

Submission:

Labcorp Genetics (formerly Invitae), Labcorp
Classification: Uncertain significance. Last evaluated: 2022-06-22. Review status: criteria provided, single submitter. Criteria: Invitae Variant Classification Sherloc (09022015). Collection method: clinical testing. Allele origin: germline.
Comment: Advanced modeling of protein sequence and biophysical properties (such as structural, functional, and spatial information, amino acid conservation, physicochemical variation, residue mobility, and thermodynamic stability) performed at Invitae indicates that this missense variant is not expected to disrupt TPP1 protein function. In summary, the available evidence is currently insufficient to determine the role of this variant in disease. Therefore, it has been classified as a Variant of Uncertain Significance. This variant is present in population databases (no rsID available, gnomAD 0.007%). This variant has not been reported in the literature in individuals affected with TPP1-related conditions. This sequence change replaces aspartic acid, which is acidic and polar, with asparagine, which is neutral and polar, at codon 87 of the TPP1 protein (p.Asp87Asn).